The following is an entry in ClinVar:

ClinVar aggregate classification (germline): Uncertain significance. Review status: criteria provided, multiple submitters, no conflicts (2 of 4 stars). 3 submissions from 3 submitters: Uncertain significance (2). 1 of the submissions does not count toward it. Last evaluated 2022-03-18.

Conditions:
Walker-Warburg congenital muscular dystrophy. Also called: Muscular dystrophy-dystroglycanopathy, type A; Walker-Warburg syndrome. Identifiers: Orphanet 899, MedGen C0265221, MONDO:0000171.

Allele frequency attached by ClinVar (database versions not stated): ExAC 0.00001; gnomAD 0.00001; gnomAD exomes 0.00001; TOPMed 0.00001; 1000 Genomes Project 30x 0.00016; 1000 Genomes Project 0.00020.
gnomAD v4.1: 20 of 1,579,192 alleles (0.0013%); highest among the groups gnomAD compares: African/African-American, 0.004%; no homozygotes.

Submissions (3):

Labcorp Genetics (formerly Invitae), Labcorp
Classification: Uncertain significance for Walker-Warburg congenital muscular dystrophy. Last evaluated: 2022-03-18. Review status: criteria provided, single submitter. Criteria: Invitae Variant Classification Sherloc (09022015). Collection method: clinical testing. Allele origin: germline.
Comment: This sequence change replaces tyrosine, which is neutral and polar, with cysteine, which is neutral and slightly polar, at codon 31 of the FKTN protein (p.Tyr31Cys). This variant is present in population databases (rs533603648, gnomAD 0.01%). This variant has not been reported in the literature in individuals affected with FKTN-related conditions. ClinVar contains an entry for this variant (Variation ID: 568936). Algorithms developed to predict the effect of missense changes on protein structure and function are either unavailable or do not agree on the potential impact of this missense change (SIFT: "Tolerated"; PolyPhen-2: "Probably Damaging"; Align-GVGD: "Class C0"). In summary, the available evidence is currently insufficient to determine the role of this variant in disease. Therefore, it has been classified as a Variant of Uncertain Significance.

Revvity Omics, Revvity
Classification: Uncertain significance. Last evaluated: 2021-06-01. Review status: criteria provided, single submitter. Criteria: ACMG Guidelines, 2015. Collection method: clinical testing. Allele origin: germline.

Natera, Inc.
Classification: Uncertain significance for Walker-Warburg congenital muscular dystrophy. Last evaluated: 2020-04-01. Review status: no assertion criteria provided. Collection method: clinical testing. Allele origin: germline. Not counted in ClinVar's aggregate classification.

NM_001079802.2(FKTN):c.92A>G (p.Tyr31Cys)

Gene: FKTN (fukutin; plus strand). Cytogenetic location: 9q31.2.
Variant type: single nucleotide variant.
Coding change: c.92A>G on transcript NM_001079802.2 (MANE Select); coding-DNA position 92, A replaced by G.
Protein change: p.Tyr31Cys; replaces tyrosine 31 with cysteine.
Molecular consequence: missense variant. On other transcripts: 5 prime UTR variant (5), non-coding transcript variant (2).
Genome position (GRCh38, 1-based): chr9:105,575,124, A>G. VCF-style: chr9-105575124-A-G. GRCh37 (hg19) VCF-style: chr9-108337405-A-G.
Other names: c.92A>G, p.Tyr31Cys (NM_001198963.2, NM_001351496.2, NM_001351498.2 and 1 more transcripts); c.-76A>G (NM_001351497.2); c.-423A>G (NM_001351499.2, NM_001351500.2, NM_001351501.2 and 1 more transcripts); short protein forms Y31C.
Identifiers: ClinVar variation 568936 (VCV000568936.10), dbSNP rs533603648, ClinGen allele CA5170296.